The following is an entry in ClinVar:

ClinVar aggregate classification (germline): Likely pathogenic (1 of 4 stars; one submission).

Conditions:
Hyperinsulinemic hypoglycemia, familial, 1 (HHF1). Also called: HYPERINSULINISM, FAMILIAL, WITH PANCREATIC NESIDIOBLASTOSIS; HYPOGLYCEMIA, HYPERINSULINEMIC, OF INFANCY; NESIDIOBLASTOSIS OF PANCREAS; Persistent hyperinsulinemic hypoglycemia of infancy; Persistent Hyperinsulinemia Hypoglycemia of Infancy. Identifiers: Orphanet 276575, Orphanet 276598, MedGen C2931832, MONDO:0009734, OMIM 256450.

Submission:

Myriad Genetics, Inc.
Classification: Likely pathogenic for Hyperinsulinemic hypoglycemia, familial, 1. Last evaluated: 2022-03-10. Review status: criteria provided, single submitter. Criteria: Myriad Women's Health Autosomal Recessive and X-Linked Classification Criteria (2021). Collection method: clinical testing. Allele origin: unknown.
Comment: NM_000352.3(ABCC8):c.2318C>A(S773*) is expected to be pathogenic in the context of familial hyperinsulinism, ABCC8-related. This variant is predicted to lead to an abnormal or absent protein product due to the creation of a premature termination codon in ABCC8, a gene where loss-of-function variants are known to be pathogenic. Please note: this variant was assessed in the context of healthy population screening.

NM_000352.6(ABCC8):c.2318C>A (p.Ser773Ter)

Genes: ABCC8 (ATP binding cassette subfamily C member 8; minus strand), LOC110121471 (VISTA enhancer hs1977; plus strand). Cytogenetic location: 11p15.1.
Variant type: single nucleotide variant.
Coding change: c.2318C>A on transcript NM_000352.6 (MANE Select); coding-DNA position 2318, C replaced by A.
Protein change: p.Ser773Ter; replaces serine 773 with a stop codon.
Molecular consequence: nonsense. On other transcripts: non-coding transcript variant (1).
Genome position (GRCh38, 1-based): chr11:17,414,584, G>T on the plus strand (C>A on the coding strand, the complement: ABCC8 is on the minus strand). VCF-style: chr11-17414584-G-T. GRCh37 (hg19) VCF-style: chr11-17436131-G-T.
Other names: c.2321C>A, p.Ser774Ter (NM_001287174.3); c.2384C>A, p.Ser795Ter (NM_001351295.2); c.2318C>A, p.Ser773Ter (NM_001351296.2); c.2315C>A, p.Ser772Ter (NM_001351297.2); short protein forms S772*, S773*, S774*, S795*.
Identifiers: ClinVar variation 1725152 (VCV001725152.2), dbSNP rs1355146733, ClinGen allele CA379809600.